The following is an entry in ClinVar:

ClinVar aggregate classification (germline): Benign (1 of 4 stars; one submission).

Allele frequency attached by ClinVar (database versions not stated): gnomAD exomes 0.00547; gnomAD 0.04300 and 0.04600; TOPMed 0.04911; 1000 Genomes Project 0.05192; 1000 Genomes Project 30x 0.05372.
gnomAD v4.1: 10,235 of 789,088 alleles (1.3%); highest among the groups gnomAD compares: African/African-American, 15%; 652 homozygotes.

Submission:

GeneDx
Classification: Benign. Last evaluated: 2018-06-14. Review status: criteria provided, single submitter. Criteria: GeneDx Variant Classification (06012015). Collection method: clinical testing. Allele origin: germline. Affected: yes.
Comment: This variant is considered likely benign or benign based on one or more of the following criteria: it is a conservative change, it occurs at a poorly conserved position in the protein, it is predicted to be benign by multiple in silico algorithms, and/or has population frequency not consistent with disease.

NM_014874.4(MFN2):c.1716+125C>T

Gene: MFN2 (mitofusin 2; plus strand). Cytogenetic location: 1p36.22.
Variant type: single nucleotide variant.
Coding change: c.1716+125C>T on transcript NM_014874.4 (MANE Select); 125 bases into the intron after coding-DNA position 1716, C replaced by T.
Molecular consequence: intron variant.
Genome position (GRCh38, 1-based): chr1:12,006,056, C>T. VCF-style: chr1-12006056-C-T. GRCh37 (hg19) VCF-style: chr1-12066113-C-T.
Other names: c.1716+125C>T (NM_001127660.2).
Identifiers: ClinVar variation 676744 (VCV000676744.1), dbSNP rs74052925, ClinGen allele CA10871985.
Genomic context (GRCh38, chr1:12,006,056, plus strand): 5'-GGGAACCATTCTAAAACGGGGGTTCCCTAAGGTCAGCAGCTGTGGTGGTGTGCCCCACCA[C>T]ACAGTACACCACAGACAGAATTTTTGCTACTGATTGACCTGGATTTGTTCTAAGCAGTGA-3'